The following is an entry in ClinVar:

ClinVar aggregate classification (germline): Uncertain significance (1 of 4 stars; one submission).

gnomAD v4.1: 1 of 1,518,012 alleles (0.000066%); highest among the groups gnomAD compares: Non-Finnish European, 0.000088%; no homozygotes.

Submission:

Labcorp Genetics (formerly Invitae), Labcorp
Classification: Uncertain significance. Last evaluated: 2024-11-25. Review status: criteria provided, single submitter. Criteria: Invitae Variant Classification Sherloc (09022015). Collection method: clinical testing. Allele origin: germline.
Comment: This sequence change falls in intron 17 of the DHX37 gene. It does not directly change the encoded amino acid sequence of the DHX37 protein. It affects a nucleotide within the consensus splice site. This variant is not present in population databases (gnomAD no frequency). This variant has not been reported in the literature in individuals affected with DHX37-related conditions. Variants that disrupt the consensus splice site are a relatively common cause of aberrant splicing (PMID: 17576681, 9536098). Algorithms developed to predict the effect of sequence changes on RNA splicing suggest that this variant is not likely to affect RNA splicing. In summary, the available evidence is currently insufficient to determine the role of this variant in disease. Therefore, it has been classified as a Variant of Uncertain Significance.

Literature cited by the submitters: PubMed 17576681; PubMed 9536098.

NM_032656.4(DHX37):c.2264+6G>T

Gene: DHX37 (DEAH-box helicase 37; minus strand). Cytogenetic location: 12q24.31.
Variant type: single nucleotide variant.
Coding change: c.2264+6G>T on transcript NM_032656.4 (MANE Select); 6 bases into the intron after coding-DNA position 2264, G replaced by T.
Molecular consequence: intron variant.
Genome position (GRCh38, 1-based): chr12:124,957,023, C>A on the plus strand (G>T on the coding strand, the complement: DHX37 is on the minus strand). VCF-style: chr12-124957023-C-A. GRCh37 (hg19) VCF-style: chr12-125441569-C-A.
Identifiers: ClinVar variation 3688975 (VCV003688975.2).